The following is an entry in ClinVar:

NM_001304359.2(MUC5AC):c.16725G>A (p.Val5575=)

Gene: MUC5AC (mucin 5AC, oligomeric mucus/gel-forming; plus strand). Cytogenetic location: 11p15.5.
Variant type: single nucleotide variant.
Coding change: c.16725G>A on transcript NM_001304359.2 (MANE Select); coding-DNA position 16725, G replaced by A.
Protein change: p.Val5575=; no amino-acid change (valine 5575 retained).
Molecular consequence: synonymous variant.
Genome position (GRCh38, 1-based): chr11:1,200,462, G>A. VCF-style: chr11-1200462-G-A. GRCh37 (hg19) VCF-style: chr11-1221688-G-A.
Identifiers: ClinVar variation 4873473 (VCV004873473.2).

ClinVar aggregate classification (germline): Likely benign (1 of 4 stars; one submission).

Submission:

CeGaT Center for Human Genetics Tuebingen
Classification: Likely benign. Last evaluated: 2026-04-01. Review status: criteria provided, single submitter. Criteria: CeGaT Center For Human Genetics Tuebingen Variant Classification Criteria Version 2. Collection method: clinical testing. Allele origin: germline. Affected: yes. Observed: 1 variant allele.
Comment: MUC5AC: PM2:Supporting, BP4, BP7